The following is an entry in ClinVar:

NM_001146.5(ANGPT1):c.556A>C (p.Lys186Gln)

Gene: ANGPT1 (angiopoietin 1; minus strand). Cytogenetic location: 8q23.1.
Variant type: single nucleotide variant.
Coding change: c.556A>C on transcript NM_001146.5 (MANE Select); coding-DNA position 556, A replaced by C.
Protein change: p.Lys186Gln; replaces lysine 186 with glutamine.
Molecular consequence: missense variant. On other transcripts: 5 prime UTR variant (1).
Genome position (GRCh38, 1-based): chr8:107,336,169, T>G on the plus strand (A>C on the coding strand, the complement: ANGPT1 is on the minus strand). VCF-style: chr8-107336169-T-G. GRCh37 (hg19) VCF-style: chr8-108348397-T-G.
Other names: c.556A>C, p.Lys186Gln (NM_001199859.3); c.-45A>C (NM_001314051.2); short protein forms K186Q.
Identifiers: ClinVar variation 2414344 (VCV002414344.6), dbSNP rs2488284417, ClinGen allele CA372034476.
Genomic context (GRCh38, chr8:107,336,169, plus strand): 5'-AAGTACACACAGAAACATTTTTGGAATAAAGCAATCCTCACCTGTTTTTTTCATGGATCT[T>G]CAAGATTTCATTTGTCTGTTGAAGAAGTTGCTTCTCTAGCTTGTAGGTGGATAATGAATT-3'
Protein context (NP_001137.2, residues 176-196): QLLQQTNEIL[Lys186Gln]IHEKNSLLEH

ClinVar aggregate classification (germline): Uncertain significance (1 of 4 stars; one submission).

Submission:

Labcorp Genetics (formerly Invitae), Labcorp
Classification: Uncertain significance. Last evaluated: 2025-01-13. Review status: criteria provided, single submitter. Criteria: Invitae Variant Classification Sherloc (09022015). Collection method: clinical testing. Allele origin: germline.
Comment: This sequence change replaces lysine, which is basic and polar, with glutamine, which is neutral and polar, at codon 186 of the ANGPT1 protein (p.Lys186Gln). This variant is not present in population databases (gnomAD no frequency). This variant has not been reported in the literature in individuals affected with ANGPT1-related conditions. ClinVar contains an entry for this variant (Variation ID: 2414344). An algorithm developed to predict the effect of missense changes on protein structure and function (PolyPhen-2) suggests that this variant is likely to be disruptive. In summary, the available evidence is currently insufficient to determine the role of this variant in disease. Therefore, it has been classified as a Variant of Uncertain Significance.